The following is an entry in ClinVar:

NM_016373.4(WWOX):c.933C>G (p.Leu311=)

Gene: WWOX (WW domain containing oxidoreductase; plus strand). Cytogenetic location: 16q23.1.
Variant type: single nucleotide variant.
Coding change: c.933C>G on transcript NM_016373.4 (MANE Select); coding-DNA position 933, C replaced by G.
Protein change: p.Leu311=; no amino-acid change (leucine 311 retained).
Molecular consequence: synonymous variant.
Genome position (GRCh38, 1-based): chr16:78,432,629, C>G. VCF-style: chr16-78432629-C-G. GRCh37 (hg19) VCF-style: chr16-78466526-C-G.
Other names: c.594C>G, p.Leu198= (NM_001291997.2).
Identifiers: ClinVar variation 507579 (VCV000507579.12), dbSNP rs757508300, ClinGen allele CA8183559.
Genomic context (GRCh38, chr16:78,432,629, plus strand): 5'-GGCTTATAACAGGTCCAAGCTCTGCAACATCCTCTTCTCCAACGAGCTGCACCGTCGCCT[C>G]TCCCCACGCGGGGTCACGTCGAACGCAGTGCATCCTGGAAATATGATGTACTCCAACATT-3'
Protein context (NP_057457.1, residues 301-321): ILFSNELHRR[Leu311=]SPRGVTSNAV

ClinVar aggregate classification (germline): Likely benign. Review status: criteria provided, multiple submitters, no conflicts (2 of 4 stars). 4 submissions from 4 submitters: Likely benign (4). Last evaluated 2026-03-24.

Conditions:
Developmental and epileptic encephalopathy, 1 (DEE1). Also called: X-linked infantile spasms; West's syndrome; Tonic spasms with clustering, arrest of psychomotor development and hypsarrhythmia on EEG; X-Linked Infantile Spasm Syndrome; OHTAHARA SYNDROME, X-LINKED; INFANTILE SPASM SYNDROME, X-LINKED 1. Identifiers: MedGen C3463992, MONDO:0010632, OMIM 308350. Disease mechanism: loss of function.
Autosomal recessive spinocerebellar ataxia 12. Also called: SPINOCEREBELLAR ATAXIA WITH MENTAL RETARDATION AND EPILEPSY. Identifiers: Orphanet 284282, MedGen C3280452, MONDO:0013687, OMIM 614322.

Allele frequency attached by ClinVar (database versions not stated): TOPMed 0.00001; ExAC 0.00002; gnomAD 0.00002; gnomAD exomes 0.00002.

Submissions (4):

Women's Health and Genetics/Laboratory Corporation of America, LabCorp
Classification: Likely benign. Last evaluated: 2026-03-24. Review status: criteria provided, single submitter. Criteria: LabCorp Variant Classification Summary - May 2015. Collection method: clinical testing. Allele origin: germline.

Blueprint Genetics
Classification: Likely benign. Last evaluated: 2024-05-17. Review status: criteria provided, single submitter. Criteria: ACMG Guidelines, 2015. Collection method: clinical testing. Allele origin: germline.

Labcorp Genetics (formerly Invitae), Labcorp
Classification: Likely benign for Developmental and epileptic encephalopathy, 1; Autosomal recessive spinocerebellar ataxia 12. Last evaluated: 2023-11-24. Review status: criteria provided, single submitter. Criteria: Invitae Variant Classification Sherloc (09022015). Collection method: clinical testing. Allele origin: germline.

GeneDx
Classification: Likely benign. Last evaluated: 2017-02-21. Review status: criteria provided, single submitter. Criteria: GeneDx Variant Classification (06012015). Collection method: clinical testing. Allele origin: germline. Affected: yes.
Comment: This variant is considered likely benign or benign based on one or more of the following criteria: it is a conservative change, it occurs at a poorly conserved position in the protein, it is predicted to be benign by multiple in silico algorithms, and/or has population frequency not consistent with disease.